The following is an entry in ClinVar:

ClinVar aggregate classification (germline): Likely benign. Review status: criteria provided, multiple submitters, no conflicts (2 of 4 stars). 5 submissions from 5 submitters: Likely benign (4). 1 of the submissions does not count toward it. Last evaluated 2026-07-01.

Conditions:
Kabuki syndrome. Also called: NIIKAWA-KUROKI SYNDROME; Kabuki make-up syndrome. Identifiers: Orphanet 2322, MedGen C0796004, MONDO:0016512.
KMT2D-related disorder. Also called: KMT2D-Related Disorders.

Allele frequency attached by ClinVar (database versions not stated): ExAC 0.00009; gnomAD exomes 0.00009; gnomAD 0.00011; TOPMed 0.00011; 1000 Genomes Project 30x 0.00016; 1000 Genomes Project 0.00020.
gnomAD v4.1: 144 of 1,610,894 alleles (0.0089%); highest among the groups gnomAD compares: Non-Finnish European, 0.011%; no homozygotes.

Submissions (5):

CeGaT Center for Human Genetics Tuebingen
Classification: Likely benign. Last evaluated: 2026-07-01. Review status: criteria provided, single submitter. Criteria: CeGaT Center For Human Genetics Tuebingen Variant Classification Criteria Version 2. Collection method: clinical testing. Allele origin: germline. Affected: yes. Observed: 2 variant alleles.
Comment: KMT2D: BP4, BS2

Labcorp Genetics (formerly Invitae), Labcorp
Classification: Likely benign for Kabuki syndrome. Last evaluated: 2026-01-12. Review status: criteria provided, single submitter. Criteria: Invitae Variant Classification Sherloc (09022015). Collection method: clinical testing. Allele origin: germline.

Laboratory of Genetics, Children's Clinical University Hospital Latvia
Classification: Likely benign. Last evaluated: 2025-02-16. Review status: criteria provided, single submitter. Criteria: ACMG Guidelines, 2015. Collection method: clinical testing. Allele origin: germline. Affected: yes.

GeneDx
Classification: Likely benign. Last evaluated: 2020-10-23. Review status: criteria provided, single submitter. Criteria: GeneDx Variant Classification Process June 2021. Collection method: clinical testing. Allele origin: germline. Affected: yes.
Comment: See Variant Classification Assertion Criteria.

PreventionGenetics, part of Exact Sciences
Classification: Likely benign for KMT2D-related condition. Last evaluated: 2024-09-25. Review status: no assertion criteria provided. Collection method: clinical testing. Allele origin: germline. Not counted in ClinVar's aggregate classification.
Comment: This variant is classified as likely benign based on ACMG/AMP sequence variant interpretation guidelines (Richards et al. 2015 PMID: 25741868, with internal and published modifications).

NM_003482.4(KMT2D):c.13780G>C (p.Ala4594Pro)

Gene: KMT2D (lysine methyltransferase 2D; minus strand). Cytogenetic location: 12q13.12.
Variant type: single nucleotide variant.
Coding change: c.13780G>C on transcript NM_003482.4 (MANE Select); coding-DNA position 13780, G replaced by C.
Protein change: p.Ala4594Pro; replaces alanine 4594 with proline.
Molecular consequence: missense variant.
Genome position (GRCh38, 1-based): chr12:49,030,660, C>G on the plus strand (G>C on the coding strand, the complement: KMT2D is on the minus strand). VCF-style: chr12-49030660-C-G. GRCh37 (hg19) VCF-style: chr12-49424443-C-G.
Other names: short protein forms A4594P.
Identifiers: ClinVar variation 1084762 (VCV001084762.22), dbSNP rs545972414, ClinGen allele CA6545906.